The following is an entry in ClinVar:

NM_005458.8(GABBR2):c.1822G>A (p.Asp608Asn)

Gene: GABBR2 (gamma-aminobutyric acid type B receptor subunit 2; minus strand). Cytogenetic location: 9q22.33.
Variant type: single nucleotide variant.
Coding change: c.1822G>A on transcript NM_005458.8 (MANE Select); coding-DNA position 1822, G replaced by A.
Protein change: p.Asp608Asn; replaces aspartic acid 608 with asparagine.
Molecular consequence: missense variant.
Genome position (GRCh38, 1-based): chr9:98,362,786, C>T on the plus strand (G>A on the coding strand, the complement: GABBR2 is on the minus strand). VCF-style: chr9-98362786-C-T. GRCh37 (hg19) VCF-style: chr9-101125068-C-T.
Other names: short protein forms D608N.
Identifiers: ClinVar variation 1396209 (VCV001396209.6), dbSNP rs978945843, ClinGen allele CA196823653.
Genomic context (GRCh38, chr9:98,362,786, plus strand): 5'-ACTTCTCCACTGTCCTTCGCAGGGGGTCCACAGCCTGCCAGCAGATCAGGATACACAGGT[C>T]GATCAGCAGCATGCCCCCCACGATCACAAGCAGTTTCTGGTCCTTGATGATCTACAGAGC-3'
Protein context (NP_005449.5, residues 598-618): LVIVGGMLLI[Asp608Asn]LCILICWQAV

ClinVar aggregate classification (germline): Uncertain significance (1 of 4 stars; one submission).

Conditions:
Epileptic encephalopathy. Identifiers: MedGen C0543888, HP:0200134.

Allele frequency attached by ClinVar (database versions not stated): gnomAD exomes below 0.00001; TOPMed below 0.00001.

Submission:

Labcorp Genetics (formerly Invitae), Labcorp
Classification: Uncertain significance for Epileptic encephalopathy. Last evaluated: 2025-02-03. Review status: criteria provided, single submitter. Criteria: Invitae Variant Classification Sherloc (09022015). Collection method: clinical testing. Allele origin: germline.
Comment: This sequence change replaces aspartic acid, which is acidic and polar, with asparagine, which is neutral and polar, at codon 608 of the GABBR2 protein (p.Asp608Asn). The frequency data for this variant in the population databases is considered unreliable, as metrics indicate poor data quality at this position in the gnomAD database. This variant has not been reported in the literature in individuals affected with GABBR2-related conditions. ClinVar contains an entry for this variant (Variation ID: 1396209). Invitae Evidence Modeling of protein sequence and biophysical properties (such as structural, functional, and spatial information, amino acid conservation, physicochemical variation, residue mobility, and thermodynamic stability) indicates that this missense variant is expected to disrupt GABBR2 protein function with a positive predictive value of 80%. In summary, the available evidence is currently insufficient to determine the role of this variant in disease. Therefore, it has been classified as a Variant of Uncertain Significance.